The following is an entry in ClinVar:

NM_032040.5(CCDC8):c.919G>A (p.Ala307Thr)

Gene: CCDC8 (coiled-coil domain containing 8 subunit of 3M complex; minus strand). Cytogenetic location: 19q13.32.
Variant type: single nucleotide variant.
Coding change: c.919G>A on transcript NM_032040.5 (MANE Select); coding-DNA position 919, G replaced by A.
Protein change: p.Ala307Thr; replaces alanine 307 with threonine.
Molecular consequence: missense variant.
Genome position (GRCh38, 1-based): chr19:46,411,892, C>T on the plus strand (G>A on the coding strand, the complement: CCDC8 is on the minus strand). VCF-style: chr19-46411892-C-T. GRCh37 (hg19) VCF-style: chr19-46915149-C-T.
Other names: short protein forms A307T.
Identifiers: ClinVar variation 1495884 (VCV001495884.6), dbSNP rs1973234457, ClinGen allele CA406460625.

ClinVar aggregate classification (germline): Uncertain significance (1 of 4 stars; one submission).

Allele frequency attached by ClinVar (database versions not stated): gnomAD exomes below 0.00001; TOPMed 0.00002.
gnomAD v4.1: 2 of 1,613,748 alleles (0.00012%); highest among the groups gnomAD compares: Middle Eastern, 0.016%; no homozygotes.

Submission:

Labcorp Genetics (formerly Invitae), Labcorp
Classification: Uncertain significance. Last evaluated: 2021-11-06. Review status: criteria provided, single submitter. Criteria: Invitae Variant Classification Sherloc (09022015). Collection method: clinical testing. Allele origin: germline.
Comment: This sequence change replaces alanine, which is neutral and non-polar, with threonine, which is neutral and polar, at codon 307 of the CCDC8 protein (p.Ala307Thr). This variant is not present in population databases (gnomAD no frequency). This variant has not been reported in the literature in individuals affected with CCDC8-related conditions. Algorithms developed to predict the effect of missense changes on protein structure and function are either unavailable or do not agree on the potential impact of this missense change (SIFT: "Deleterious"; PolyPhen-2: "Possibly Damaging"; Align-GVGD: "Class C0"). In summary, the available evidence is currently insufficient to determine the role of this variant in disease. Therefore, it has been classified as a Variant of Uncertain Significance.